The following is an entry in ClinVar:

ClinVar aggregate classification (germline): Benign. Review status: criteria provided, multiple submitters, no conflicts (2 of 4 stars). 7 submissions from 7 submitters: Benign (7). Last evaluated 2026-02-03.

Conditions:
Imerslund-Grasbeck syndrome type 1 (IGS1). Also called: Megaloblastic anemia 1, Finnish type; MEGALOBLASTIC ANEMIA, 1; Imerslund-Gräsbeck syndrome 1. Identifiers: MedGen C4016819, MONDO:0100156, OMIM 261100.
Imerslund-Grasbeck syndrome. Also called: ENTEROCYTE COBALAMIN MALABSORPTION; ENTEROCYTE INTRINSIC FACTOR RECEPTOR, DEFECT OF; Imerslund-Gräsbeck syndrome; PERNICIOUS ANEMIA, JUVENILE, DUE TO SELECTIVE INTESTINAL MALABSORPTION OF VITAMIN B12, WITH PROTEINURIA; Megaloblastic anemia due to inborn errors of metabolism. Identifiers: Orphanet 35858, MedGen C4551825, MONDO:0009853.

Allele frequency attached by ClinVar (database versions not stated): 1000 Genomes Project 0.24740; gnomAD exomes 0.08773 and 0.16064; ESP Exome Variant Server 0.14878; ExAC 0.15277; gnomAD 0.16648; TOPMed 0.18148; 1000 Genomes Project 30x 0.24703.
gnomAD v4.1: 154,834 of 1,613,970 alleles (9.6%); highest among the groups gnomAD compares: Admixed American, 34%; 14,305 homozygotes.

Submissions (7):

Labcorp Genetics (formerly Invitae), Labcorp
Classification: Benign for Imerslund-Grasbeck syndrome. Last evaluated: 2026-02-03. Review status: criteria provided, single submitter. Criteria: Invitae Variant Classification Sherloc (09022015). Collection method: clinical testing. Allele origin: germline.

Blueprint Genetics
Classification: Benign. Last evaluated: 2024-11-27. Review status: criteria provided, single submitter. Criteria: ACMG Guidelines, 2015. Collection method: clinical testing. Allele origin: germline.

Mayo Clinic Laboratories, Mayo Clinic
Classification: Benign. Last evaluated: 2022-03-09. Review status: criteria provided, single submitter. Criteria: ACMG Guidelines, 2015. Collection method: clinical testing. Allele origin: germline. Observed: 71 variant alleles.

Genome-Nilou Lab
Classification: Benign for Imerslund-Grasbeck syndrome type 1. Last evaluated: 2021-07-30. Review status: criteria provided, single submitter. Criteria: ACMG Guidelines, 2015. Collection method: clinical testing. Allele origin: germline. Affected: no.

GeneDx
Classification: Benign. Last evaluated: 2018-07-07. Review status: criteria provided, single submitter. Criteria: GeneDx Variant Classification Process June 2021. Collection method: clinical testing. Allele origin: germline. Affected: yes.

Illumina Laboratory Services, Illumina
Classification: Benign for Imerslund-Grasbeck syndrome type 1. Last evaluated: 2018-01-12. Review status: criteria provided, single submitter. Criteria: ICSL Variant Classification Criteria 13 December 2019. Collection method: clinical testing. Allele origin: germline.
Comment: This variant was observed in the ICSL laboratory as part of a predisposition screen in an ostensibly healthy population. It had not been previously curated by ICSL or reported in the Human Gene Mutation Database (HGMD: prior to June 1st, 2018), and was therefore a candidate for classification through an automated scoring system. Utilizing variant allele frequency, disease prevalence and penetrance estimates, and inheritance mode, an automated score was calculated to assess if this variant is too frequent to cause the disease. Based on the score and internal cut-off values, a variant classified as benign is not then subjected to further curation. The score for this variant resulted in a classification of benign for this disease.

Breakthrough Genomics
Classification: Benign. Review status: criteria provided, single submitter. Criteria: ACMG Guidelines, 2015. Collection method: not provided. Allele origin: germline. Inheritance: Autosomal recessive inheritance. Affected: yes.

NM_001081.4(CUBN):c.9030T>C (p.Ala3010=)

Gene: CUBN (cubilin; minus strand). Cytogenetic location: 10p13.
Variant type: single nucleotide variant.
Coding change: c.9030T>C on transcript NM_001081.4 (MANE Select); coding-DNA position 9030, T replaced by C.
Protein change: p.Ala3010=; no amino-acid change (alanine 3010 retained).
Molecular consequence: synonymous variant.
Genome position (GRCh38, 1-based): chr10:16,876,973, A>G on the plus strand (T>C on the coding strand, the complement: CUBN is on the minus strand). VCF-style: chr10-16876973-A-G. GRCh37 (hg19) VCF-style: chr10-16918972-A-G.
Other names: p.Ala3010=.
Identifiers: ClinVar variation 299387 (VCV000299387.22), dbSNP rs1801241, ClinGen allele CA5422832.
Genomic context (GRCh38, chr10:16,876,973, plus strand): 5'-AAACTTGAATCCGAAGTCTGTGATTTGCTCGTTGGAGTAGAAGTTAAGCAGAACCGGCCC[A>G]GCGATGGTGAGGGGAGCTGGCATCTCATCCCCACACACAGTAGCAAATGGGGTGGACATG-3'
Protein context (NP_001072.2, residues 3000-3020): GDEMPAPLTI[Ala3010=]GPVLLNFYSN